The following is an entry in ClinVar:

ClinVar aggregate classification (germline): Uncertain significance (1 of 4 stars; one submission).

Submission:

Labcorp Genetics (formerly Invitae), Labcorp
Classification: Uncertain significance. Last evaluated: 2022-07-06. Review status: criteria provided, single submitter. Criteria: Invitae Variant Classification Sherloc (09022015). Collection method: clinical testing. Allele origin: germline.
Comment: This variant has not been reported in the literature in individuals affected with SAG-related conditions. In summary, the available evidence is currently insufficient to determine the role of this variant in disease. Therefore, it has been classified as a Variant of Uncertain Significance. Algorithms developed to predict the effect of missense changes on protein structure and function (SIFT, PolyPhen-2, Align-GVGD) all suggest that this variant is likely to be tolerated. ClinVar contains an entry for this variant (Variation ID: 1442073). This variant is not present in population databases (gnomAD no frequency). This sequence change replaces alanine, which is neutral and non-polar, with threonine, which is neutral and polar, at codon 243 of the SAG protein (p.Ala243Thr).

NM_000541.5(SAG):c.727G>A (p.Ala243Thr)

Gene: SAG (S-antigen visual arrestin; plus strand). Cytogenetic location: 2q37.1.
Variant type: single nucleotide variant.
Coding change: c.727G>A on transcript NM_000541.5 (MANE Select); coding-DNA position 727, G replaced by A.
Protein change: p.Ala243Thr; replaces alanine 243 with threonine.
Molecular consequence: missense variant.
Genome position (GRCh38, 1-based): chr2:233,329,571, G>A. VCF-style: chr2-233329571-G-A. GRCh37 (hg19) VCF-style: chr2-234238217-G-A.
Other names: short protein forms A243T.
Identifiers: ClinVar variation 1442073 (VCV001442073.6), dbSNP rs2125337968, ClinGen allele CA351048052.